The following is an entry in ClinVar:

NM_005585.5(SMAD6):c.1051dup (p.Asp351fs)

Gene: SMAD6 (SMAD family member 6; plus strand). Cytogenetic location: 15q22.31.
Variant type: Duplication.
Coding change: c.1051dup on transcript NM_005585.5 (MANE Select); coding-DNA position 1051, one base duplicated (G; older notation c.1051dupG).
Protein change: p.Asp351fs; shifts the reading frame from aspartic acid 351.
Molecular consequence: frameshift variant. On other transcripts: non-coding transcript variant (1).
Genome position (GRCh38, 1-based): chr15:66,781,095, G duplicated. VCF-style (leftmost placement, unchanged base first): chr15-66781094-C-CG. GRCh37 (hg19) VCF-style: chr15-67073432-C-CG.
Other names: short protein forms D351fs.
Identifiers: ClinVar variation 2758875 (VCV002758875.3), dbSNP rs2541896686, ClinGen allele CA2697549148.

ClinVar aggregate classification (germline): Uncertain significance (1 of 4 stars; one submission).

Conditions:
Aortic valve disease 2 (AOVD2). Identifiers: MedGen C3542024, MONDO:0013902, OMIM 614823.

Submission:

Labcorp Genetics (formerly Invitae), Labcorp
Classification: Uncertain significance for Aortic valve disease 2. Last evaluated: 2023-11-17. Review status: criteria provided, single submitter. Criteria: Invitae Variant Classification Sherloc (09022015). Collection method: clinical testing. Allele origin: germline.
Comment: This sequence change results in a frameshift in the SMAD6 gene (p.Asp351Glyfs*214). While this is not anticipated to result in nonsense mediated decay, it is expected to disrupt the last 146 amino acid(s) of the SMAD6 protein and extend the protein by 67 additional amino acid residues. This variant is not present in population databases (gnomAD no frequency). This variant has not been reported in the literature in individuals affected with SMAD6-related conditions. In summary, the available evidence is currently insufficient to determine the role of this variant in disease. Therefore, it has been classified as a Variant of Uncertain Significance.